The following is an entry in ClinVar:

ClinVar aggregate classification (germline): Likely benign. Review status: criteria provided, multiple submitters, no conflicts (2 of 4 stars). 2 submissions from 2 submitters: Likely benign (2). Last evaluated 2025-12-08.

Conditions:
PIGG-related disorder. Also called: PIGG-related condition.
Intellectual disability, autosomal recessive 53 (NEDHSCA). Also called: NEURODEVELOPMENTAL DISORDER WITH OR WITHOUT HYPOTONIA, SEIZURES, AND CEREBELLAR ATROPHY; GLYCOSYLPHOSPHATIDYLINOSITOL BIOSYNTHESIS DEFECT 13; Mental retardation, autosomal recessive 53. Identifiers: Orphanet 488635, MedGen C4310794, MONDO:0014832, OMIM 616917.

Allele frequency attached by ClinVar (database versions not stated): gnomAD 0.00002 and 0.00003; TOPMed 0.00005; ExAC 0.00018.
gnomAD v4.1: 106 of 1,613,724 alleles (0.0066%); highest among the groups gnomAD compares: East Asian, 0.22%; no homozygotes.

Submissions (2):

Labcorp Genetics (formerly Invitae), Labcorp
Classification: Likely benign for Intellectual disability, autosomal recessive 53. Last evaluated: 2025-12-08. Review status: criteria provided, single submitter. Criteria: Invitae Variant Classification Sherloc (09022015). Collection method: clinical testing. Allele origin: germline.

PreventionGenetics, part of Exact Sciences
Classification: Likely benign for PIGG-related condition. Last evaluated: 2025-02-10. Review status: criteria provided, single submitter. Criteria: ACMG Guidelines, 2015. Collection method: clinical testing. Allele origin: germline.
Comment: This variant is classified as likely benign based on ACMG/AMP sequence variant interpretation guidelines (Richards et al. 2015 PMID: 25741868, with internal and published modifications).

NM_001127178.3(PIGG):c.711C>G (p.Ser237Arg)

Gene: PIGG (phosphatidylinositol glycan anchor biosynthesis class G (EMM blood group); plus strand). Cytogenetic location: 4p16.3.
Variant type: single nucleotide variant.
Coding change: c.711C>G on transcript NM_001127178.3 (MANE Select); coding-DNA position 711, C replaced by G.
Protein change: p.Ser237Arg; replaces serine 237 with arginine.
Molecular consequence: missense variant. On other transcripts: 5 prime UTR variant (4), non-coding transcript variant (10), intron variant (1).
Genome position (GRCh38, 1-based): chr4:507,545, C>G. VCF-style: chr4-507545-C-G. GRCh37 (hg19) VCF-style: chr4-501334-C-G.
Other names: c.444C>G, p.Ser148Arg (NM_001289051.2, NM_001289053.2, NM_001289057.2 and 2 more transcripts); c.345C>G, p.Ser115Arg (NM_001289055.2); c.-177C>G (NM_001345988.2); c.711C>G, p.Ser237Arg (NM_001345989.2, NM_017733.5); c.-915C>G (NM_001345990.2); c.-777C>G (NM_001345991.2); c.-502C>G (NM_001345994.2); c.361-1284C>G (NM_001289052.2); short protein forms S237R, S115R, S148R.
Identifiers: ClinVar variation 573267 (VCV000573267.13), dbSNP rs747129987, ClinGen allele CA2793065.